The following is an entry in ClinVar:

NM_006947.4(SRP72):c.1126A>G (p.Lys376Glu)

Gene: SRP72 (signal recognition particle 72; plus strand). Cytogenetic location: 4q12.
Variant type: single nucleotide variant.
Coding change: c.1126A>G on transcript NM_006947.4 (MANE Select); coding-DNA position 1126, A replaced by G.
Protein change: p.Lys376Glu; replaces lysine 376 with glutamic acid.
Molecular consequence: missense variant. On other transcripts: non-coding transcript variant (1).
Genome position (GRCh38, 1-based): chr4:56,486,364, A>G. VCF-style: chr4-56486364-A-G. GRCh37 (hg19) VCF-style: chr4-57352530-A-G.
Other names: c.943A>G, p.Lys315Glu (NM_001267722.2); short protein forms K315E, K376E.
Identifiers: ClinVar variation 4589581 (VCV004589581.1).
Genomic context (GRCh38, chr4:56,486,364, plus strand): 5'-CCCCAAACTAAAAAAATTTAGGAATTTTCAGATCAGCATCCAGAAAATGCAGCTGAAATT[A>G]AGCTGACCATGGCACAGTTGAAAATTTCTCAAGGTATTATGGTTTTCATCATGATTAAAA-3'
Protein context (NP_008878.3, residues 366-386): DQHPENAAEI[Lys376Glu]LTMAQLKISQ

ClinVar aggregate classification (germline): Uncertain significance (1 of 4 stars; one submission).

Submission:

Ambry Genetics
Classification: Uncertain significance. Last evaluated: 2025-09-28. Review status: criteria provided, single submitter. Criteria: Ambry Variant Classification Scheme 2023. Collection method: clinical testing. Allele origin: germline.
Comment: The p.K376E variant (also known as c.1126A>G), located in coding exon 11 of the SRP72 gene, results from an A to G substitution at nucleotide position 1126. The lysine at codon 376 is replaced by glutamic acid, an amino acid with similar properties. This amino acid position is conserved. In addition, the in silico prediction for this alteration is inconclusive. Based on the available evidence, the clinical significance of this variant remains unclear.